The following is an entry in ClinVar:

ClinVar aggregate classification (germline): Likely benign (1 of 4 stars; one submission).

gnomAD v4.1: 2 of 1,614,218 alleles (0.00012%); highest among the groups gnomAD compares: Non-Finnish European, 0.000085%; no homozygotes.

Submission:

CeGaT Center for Human Genetics Tuebingen
Classification: Likely benign. Last evaluated: 2026-07-01. Review status: criteria provided, single submitter. Criteria: CeGaT Center For Human Genetics Tuebingen Variant Classification Criteria Version 2. Collection method: clinical testing. Allele origin: germline. Affected: yes. Observed: 1 variant allele.
Comment: TSR1: BP4

NM_018128.5(TSR1):c.116C>T (p.Thr39Ile)

Gene: TSR1 (TSR1 ribosome maturation factor; minus strand). Cytogenetic location: 17p13.3.
Variant type: single nucleotide variant.
Coding change: c.116C>T on transcript NM_018128.5 (MANE Select); coding-DNA position 116, C replaced by T.
Protein change: p.Thr39Ile; replaces threonine 39 with isoleucine.
Molecular consequence: missense variant.
Genome position (GRCh38, 1-based): chr17:2,336,122, G>A on the plus strand (C>T on the coding strand, the complement: TSR1 is on the minus strand). VCF-style: chr17-2336122-G-A. GRCh37 (hg19) VCF-style: chr17-2239416-G-A.
Other names: short protein forms T39I.
Identifiers: ClinVar variation 5039273 (VCV005039273.1).